The following is an entry in ClinVar:

NM_024887.3(DHDDS):c.-150G>A

Gene: DHDDS (dehydrodolichyl diphosphate synthase subunit; plus strand). Cytogenetic location: 1p36.11.
Variant type: single nucleotide variant.
Coding change: c.-150G>A on transcript NM_024887.3; 150 bases upstream of the start codon, G replaced by A.
Genome position (GRCh38, 1-based): chr1:26,432,282, G>A. VCF-style: chr1-26432282-G-A. GRCh37 (hg19) VCF-style: chr1-26758773-G-A.
Identifiers: ClinVar variation 297068 (VCV000297068.8), dbSNP rs6656196, ClinGen allele CA10609805.
Genomic context (GRCh38, chr1:26,432,282, plus strand): 5'-GCTCGCAGGCGCAGGCGCAGGGCAGGGTCCCCTCAGTTTGGGTGACGGAAGGGGCGTGTC[G>A]CAGCGCCCAAAGATGACGTGTTCTGCCAGCGCCACGTCATGAGGAAGTGCCGGCCCACTG-3'

ClinVar aggregate classification (germline): Benign. Review status: criteria provided, multiple submitters, no conflicts (2 of 4 stars). 2 submissions from 2 submitters: Benign (2). Last evaluated 2018-01-13.

Conditions:
Retinitis pigmentosa (RP). Identifiers: Orphanet 791, MedGen C0035334, MeSH D012174, MONDO:0019200, OMIM 268000. Inheritance: Autosomal dominant, autosomal recessive and X linked inheritance.

Allele frequency attached by ClinVar (database versions not stated): TOPMed 0.31887; gnomAD exomes 0.26136; gnomAD 0.30945 and 0.30080; 1000 Genomes Project 30x 0.44800; 1000 Genomes Project 0.45627.

Submissions (2):

Illumina Laboratory Services, Illumina
Classification: Benign for Retinitis pigmentosa. Last evaluated: 2018-01-13. Review status: criteria provided, single submitter. Criteria: ICSL Variant Classification Criteria 13 December 2019. Collection method: clinical testing. Allele origin: germline.
Comment: This variant was observed in the ICSL laboratory as part of a predisposition screen in an ostensibly healthy population. It had not been previously curated by ICSL or reported in the Human Gene Mutation Database (HGMD: prior to June 1st, 2018), and was therefore a candidate for classification through an automated scoring system. Utilizing variant allele frequency, disease prevalence and penetrance estimates, and inheritance mode, an automated score was calculated to assess if this variant is too frequent to cause the disease. Based on the score and internal cut-off values, a variant classified as benign is not then subjected to further curation. The score for this variant resulted in a classification of benign for this disease.

Breakthrough Genomics
Classification: Benign. Review status: criteria provided, single submitter. Criteria: ACMG Guidelines, 2015. Collection method: not provided. Allele origin: germline. Inheritance: Autosomal recessive inheritance. Affected: yes.